The following is an entry in ClinVar:

NM_000268.4(NF2):c.133G>A (p.Asp45Asn)

Gene: NF2 (NF2, moesin-ezrin-radixin like (MERLIN) tumor suppressor; plus strand). Cytogenetic location: 22q12.2.
Variant type: single nucleotide variant.
Coding change: c.133G>A on transcript NM_000268.4 (MANE Select); coding-DNA position 133, G replaced by A.
Protein change: p.Asp45Asn; replaces aspartic acid 45 with asparagine.
Molecular consequence: missense variant. On other transcripts: non-coding transcript variant (1), intron variant (3).
Genome position (GRCh38, 1-based): chr22:29,636,769, G>A. VCF-style: chr22-29636769-G-A. GRCh37 (hg19) VCF-style: chr22-30032758-G-A.
Other names: c.133G>A, p.Asp45Asn (NM_016418.5, NM_181825.3, NM_181829.3 and 2 more transcripts); c.133G>A (NM_000268.3); c.115-2321G>A (NM_181828.3); c.115-5433G>A (NM_181830.3, NM_181831.3); short protein forms D45N.
Identifiers: ClinVar variation 1016914 (VCV001016914.10), dbSNP rs370147621, ClinGen allele CA411152451.

ClinVar aggregate classification (germline): Uncertain significance. Review status: criteria provided, multiple submitters, no conflicts (2 of 4 stars). 2 submissions from 2 submitters: Uncertain significance (2). Last evaluated 2024-08-09.

Conditions:
Hereditary cancer-predisposing syndrome. Also called: Neoplastic Syndromes, Hereditary; Hereditary Cancer Syndrome; Hereditary neoplastic syndrome; Tumor predisposition. Identifiers: Orphanet 140162, MedGen C0027672, MeSH D009386, MONDO:0015356.
Neurofibromatosis, type 2 (SWNV). Also called: BILATERAL ACOUSTIC NEUROFIBROMATOSIS; SCHWANNOMATOSIS, VESTIBULAR; NF2-Related Schwannomatosis. Identifiers: Orphanet 637, MedGen C0027832, MONDO:0007039, OMIM 101000. Disease mechanism: loss of function.

gnomAD v4.1: 1 of 1,614,182 alleles (0.000062%); highest among the groups gnomAD compares: Non-Finnish European, 0.000085%; no homozygotes.

Submissions (2):

Ambry Genetics
Classification: Uncertain significance for Hereditary cancer-predisposing syndrome. Last evaluated: 2024-08-09. Review status: criteria provided, single submitter. Criteria: Ambry Variant Classification Scheme 2023. Collection method: clinical testing. Allele origin: germline.
Comment: The p.D45N variant (also known as c.133G>A), located in coding exon 2 of the NF2 gene, results from a G to A substitution at nucleotide position 133. The aspartic acid at codon 45 is replaced by asparagine, an amino acid with highly similar properties. This amino acid position is highly conserved in available vertebrate species. In addition, this alteration is predicted to be tolerated by in silico analysis. Based on the available evidence, the clinical significance of this variant remains unclear.

Labcorp Genetics (formerly Invitae), Labcorp
Classification: Uncertain significance for Neurofibromatosis, type 2. Last evaluated: 2020-02-04. Review status: criteria provided, single submitter. Criteria: Invitae Variant Classification Sherloc (09022015). Collection method: clinical testing. Allele origin: germline.
Comment: This sequence change replaces aspartic acid with asparagine at codon 45 of the NF2 protein (p.Asp45Asn). The aspartic acid residue is highly conserved and there is a small physicochemical difference between aspartic acid and asparagine. This variant is not present in population databases (ExAC no frequency). This variant has not been reported in the literature in individuals with NF2-related conditions. Algorithms developed to predict the effect of missense changes on protein structure and function are either unavailable or do not agree on the potential impact of this missense change (SIFT: "Tolerated"; PolyPhen-2: "Possibly Damaging"; Align-GVGD: "Class C0"). In summary, the available evidence is currently insufficient to determine the role of this variant in disease. Therefore, it has been classified as a Variant of Uncertain Significance.